The following is an entry in ClinVar:

NM_001127208.3(TET2):c.3136C>G (p.Leu1046Val)

Genes: TET2 (tet methylcytosine dioxygenase 2; plus strand), TET2-AS1 (TET2 antisense RNA 1; minus strand). Cytogenetic location: 4q24.
Variant type: single nucleotide variant.
Coding change: c.3136C>G on transcript NM_001127208.3 (MANE Select); coding-DNA position 3136, C replaced by G.
Protein change: p.Leu1046Val; replaces leucine 1046 with valine.
Molecular consequence: missense variant.
Genome position (GRCh38, 1-based): chr4:105,237,078, C>G. VCF-style: chr4-105237078-C-G. GRCh37 (hg19) VCF-style: chr4-106158235-C-G.
Other names: c.3136C>G, p.Leu1046Val (NM_017628.4); short protein forms L1046V.
Identifiers: ClinVar variation 4182915 (VCV004182915.1).
Genomic context (GRCh38, chr4:105,237,078, plus strand): 5'-GAGACCATGGAGCAGCATCTGAAGCAGTTTCACGCCAAGTCGTTATTTGACCATAAGGCT[C>G]TTACTCTCAAATCACAGAAGCAAGTAAAAGTTGAAATGTCAGGGCCAGTCACAGTTTTGA-3'
Protein context (NP_001120680.1, residues 1036-1056): HAKSLFDHKA[Leu1046Val]TLKSQKQVKV

ClinVar aggregate classification (germline): Uncertain significance (1 of 4 stars; one submission).

Submission:

Ambry Genetics
Classification: Uncertain significance. Last evaluated: 2025-06-19. Review status: criteria provided, single submitter. Criteria: Ambry Variant Classification Scheme 2023. Collection method: clinical testing. Allele origin: germline.
Comment: The p.L1046V variant (also known as c.3136C>G), located in coding exon 1 of the TET2 gene, results from a C to G substitution at nucleotide position 3136. The leucine at codon 1046 is replaced by valine, an amino acid with highly similar properties. This amino acid position is conserved. In addition, this alteration is predicted to be tolerated by in silico analysis. Based on the available evidence, the clinical significance of this variant remains unclear.